The following is an entry in ClinVar:

NM_005251.3(FOXC2):c.1359G>A (p.Met453Ile)

Gene: FOXC2 (forkhead box C2; plus strand). Cytogenetic location: 16q24.1.
Variant type: single nucleotide variant.
Coding change: c.1359G>A on transcript NM_005251.3 (MANE Select); coding-DNA position 1359, G replaced by A.
Protein change: p.Met453Ile; replaces methionine 453 with isoleucine.
Molecular consequence: missense variant.
Genome position (GRCh38, 1-based): chr16:86,568,694, G>A. VCF-style: chr16-86568694-G-A. GRCh37 (hg19) VCF-style: chr16-86602300-G-A.
Other names: c.1359G>A (NM_005251.2); short protein forms M453I.
Identifiers: ClinVar variation 2059014 (VCV002059014.5), dbSNP rs1003293974, ClinGen allele CA285808132.
Genomic context (GRCh38, chr16:86,568,694, plus strand): 5'-CCACCTCCCCGGCCACACGTTCGCGGCCCAGCAGCAAACTTTCCCCAACGTGCGGGAGAT[G>A]TTCAACTCCCACCGGCTGGGGATTGAGAACTCGACCCTCGGGGAGTCCCAGGTGAGTGGC-3'
Protein context (NP_005242.1, residues 443-463): QQQTFPNVRE[Met453Ile]FNSHRLGIEN

ClinVar aggregate classification (germline): Uncertain significance. Review status: criteria provided, multiple submitters, no conflicts (2 of 4 stars). 2 submissions from 2 submitters: Uncertain significance (2). Last evaluated 2025-08-08.

Conditions:
Inborn genetic diseases. Identifiers: MedGen C0950123, MeSH D030342.

Allele frequency attached by ClinVar (database versions not stated): gnomAD exomes below 0.00001; gnomAD 0.00001; TOPMed 0.00006.

Submissions (2):

Labcorp Genetics (formerly Invitae), Labcorp
Classification: Uncertain significance. Last evaluated: 2025-08-08. Review status: criteria provided, single submitter. Criteria: Invitae Variant Classification Sherloc (09022015). Collection method: clinical testing. Allele origin: germline.
Comment: This sequence change replaces methionine, which is neutral and non-polar, with isoleucine, which is neutral and non-polar, at codon 453 of the FOXC2 protein (p.Met453Ile). This variant is present in population databases (no rsID available, gnomAD 0.003%). This variant has not been reported in the literature in individuals affected with FOXC2-related conditions. ClinVar contains an entry for this variant (Variation ID: 2059014). An algorithm developed to predict the effect of missense changes on protein structure and function (PolyPhen-2) suggests that this variant is likely to be disruptive. In summary, the available evidence is currently insufficient to determine the role of this variant in disease. Therefore, it has been classified as a Variant of Uncertain Significance.

Ambry Genetics
Classification: Uncertain significance for Inborn genetic diseases. Last evaluated: 2024-06-25. Review status: criteria provided, single submitter. Criteria: Ambry Variant Classification Scheme 2023. Collection method: clinical testing. Allele origin: germline.